The following is an entry in ClinVar:

NM_005477.3(HCN4):c.2181C>T (p.His727=)

Gene: HCN4 (hyperpolarization activated cyclic nucleotide gated potassium channel 4; minus strand). Cytogenetic location: 15q24.1.
Variant type: single nucleotide variant.
Coding change: c.2181C>T on transcript NM_005477.3 (MANE Select); coding-DNA position 2181, C replaced by T.
Protein change: p.His727=; no amino-acid change (histidine 727 retained).
Molecular consequence: synonymous variant.
Genome position (GRCh38, 1-based): chr15:73,323,912, G>A on the plus strand (C>T on the coding strand, the complement: HCN4 is on the minus strand). VCF-style: chr15-73323912-G-A. GRCh37 (hg19) VCF-style: chr15-73616253-G-A.
Identifiers: ClinVar variation 240165 (VCV000240165.29), dbSNP rs140354126, ClinGen allele CA7649082.

ClinVar aggregate classification (germline): Conflicting classifications of pathogenicity. Review status: criteria provided, conflicting classifications (1 of 4 stars). 11 submissions from 11 submitters: Uncertain significance (1); Benign (1); Likely benign (5). 4 of the submissions do not count toward it. Last evaluated 2026-01-27.

Conditions:
HCN4-related disorder. Also called: HCN4-related condition.
Cardiovascular phenotype. Identifiers: MedGen CN230736.
Brugada syndrome 8 (BRGDA8). Identifiers: Orphanet 130, MedGen C2751083, MONDO:0013148, OMIM 613123.

Allele frequency attached by ClinVar (database versions not stated): ExAC 0.00015; gnomAD exomes 0.00022 and 0.00030; 1000 Genomes Project 30x 0.00031; gnomAD 0.00035 and 0.00036; TOPMed 0.00037; ESP Exome Variant Server 0.00038; 1000 Genomes Project 0.00040.
gnomAD v4.1: 479 of 1,603,958 alleles (0.03%); highest among the groups gnomAD compares: African/African-American, 0.052%; 1 homozygote.

Submissions (11):

Labcorp Genetics (formerly Invitae), Labcorp
Classification: Likely benign for Brugada syndrome 8. Last evaluated: 2026-01-27. Review status: criteria provided, single submitter. Criteria: Invitae Variant Classification Sherloc (09022015). Collection method: clinical testing. Allele origin: germline.

Molecular Diagnostic Laboratory for Inherited Cardiovascular Disease, Montreal Heart Institute
Classification: Likely benign. Last evaluated: 2025-04-09. Review status: criteria provided, single submitter. Criteria: ACMG Guidelines, 2015. Collection method: clinical testing. Allele origin: germline. Affected: no.

Athena Diagnostics
Classification: Benign. Last evaluated: 2024-12-12. Review status: criteria provided, single submitter. Criteria: Athena Diagnostics Criteria. Collection method: clinical testing. Allele origin: unknown.
Comment: The frequency of this variant in the general population is higher than would generally be expected for pathogenic variants in this gene. Computational tools yielded predictions that this variant is unlikely to have an effect on normal RNA splicing. This nucleotide position exhibits low evolutionary conservation.

Blueprint Genetics
Classification: Likely benign. Last evaluated: 2024-07-10. Review status: criteria provided, single submitter. Criteria: ACMG Guidelines, 2015. Collection method: clinical testing. Allele origin: germline.

GeneDx
Classification: Likely benign. Last evaluated: 2020-08-07. Review status: criteria provided, single submitter. Criteria: GeneDx Variant Classification Process June 2021. Collection method: clinical testing. Allele origin: germline. Affected: yes.

Ambry Genetics
Classification: Likely benign for Cardiovascular phenotype. Last evaluated: 2017-06-08. Review status: criteria provided, single submitter. Criteria: Ambry Variant Classification Scheme 2023. Collection method: clinical testing. Allele origin: germline.

Eurofins Ntd Llc (ga)
Classification: Uncertain significance. Last evaluated: 2016-07-12. Review status: criteria provided, single submitter. Criteria: EGL Classification Definitions 2015. Collection method: clinical testing. Allele origin: germline. Observed: 1 variant allele, 1 heterozygote.

PreventionGenetics, part of Exact Sciences
Classification: Likely benign for HCN4-related condition. Last evaluated: 2024-08-26. Review status: no assertion criteria provided. Collection method: clinical testing. Allele origin: germline. Not counted in ClinVar's aggregate classification.
Comment: This variant is classified as likely benign based on ACMG/AMP sequence variant interpretation guidelines (Richards et al. 2015 PMID: 25741868, with internal and published modifications).

Clinical Genetics DNA and cytogenetics Diagnostics Lab, Erasmus MC, Erasmus Medical Center
Classification: Likely benign. Review status: no assertion criteria provided. Collection method: clinical testing. Allele origin: germline. Affected: yes. Study: VKGL Data-share Consensus. Not counted in ClinVar's aggregate classification.

Clinical Genetics, Academic Medical Center
Classification: Benign. Review status: no assertion criteria provided. Collection method: clinical testing. Allele origin: germline. Affected: yes. Study: VKGL Data-share Consensus. Not counted in ClinVar's aggregate classification.

Joint Genome Diagnostic Labs from Nijmegen and Maastricht, Radboudumc and MUMC+
Classification: Likely benign. Review status: no assertion criteria provided. Collection method: clinical testing. Allele origin: germline. Affected: yes. Study: VKGL Data-share Consensus. Not counted in ClinVar's aggregate classification.